The following is an entry in ClinVar:

ClinVar aggregate classification (germline): Uncertain significance (1 of 4 stars; one submission).

Submission:

GeneDx
Classification: Uncertain significance. Last evaluated: 2024-12-16. Review status: criteria provided, single submitter. Criteria: GeneDx Variant Classification Process June 2021. Collection method: clinical testing. Allele origin: germline. Affected: yes.
Comment: Not observed at significant frequency in large population cohorts (gnomAD); In silico analysis supports that this missense variant has a deleterious effect on protein structure/function; Has not been previously published as pathogenic or benign to our knowledge; This variant is associated with the following publications: (PMID: 25512093, 25609763, 26100331)

NM_001376.5(DYNC1H1):c.11651C>T (p.Ala3884Val)

Gene: DYNC1H1 (dynein cytoplasmic 1 heavy chain 1; plus strand). Cytogenetic location: 14q32.31.
Variant type: single nucleotide variant.
Coding change: c.11651C>T on transcript NM_001376.5 (MANE Select); coding-DNA position 11651, C replaced by T.
Protein change: p.Ala3884Val; replaces alanine 3884 with valine.
Molecular consequence: missense variant.
Genome position (GRCh38, 1-based): chr14:102,039,693, C>T. VCF-style: chr14-102039693-C-T. GRCh37 (hg19) VCF-style: chr14-102506030-C-T.
Other names: short protein forms A3884V.
Identifiers: ClinVar variation 3903113 (VCV003903113.1).